The following is an entry in ClinVar:

ClinVar aggregate classification (germline): Uncertain significance (1 of 4 stars; one submission).

Conditions:
Joubert syndrome 21 (JBTS21). Identifiers: MedGen C3810212, MONDO:0014288, OMIM 615636.

Allele frequency attached by ClinVar (database versions not stated): gnomAD exomes 0.00001 and below 0.00001; gnomAD 0.00003 and 0.00004; TOPMed 0.00003.
gnomAD v4.1: 8 of 1,611,448 alleles (0.0005%); highest among the groups gnomAD compares: African/African-American, 0.008%; no homozygotes.

Submission:

Labcorp Genetics (formerly Invitae), Labcorp
Classification: Uncertain significance for Joubert syndrome 21. Last evaluated: 2025-06-09. Review status: criteria provided, single submitter. Criteria: Invitae Variant Classification Sherloc (09022015). Collection method: clinical testing. Allele origin: germline.
Comment: This sequence change falls in intron 14 of the CSPP1 gene. It does not directly change the encoded amino acid sequence of the CSPP1 protein. It affects a nucleotide within the consensus splice site. This variant is present in population databases (no rsID available, gnomAD 0.01%). This variant has not been reported in the literature in individuals affected with CSPP1-related conditions. ClinVar contains an entry for this variant (Variation ID: 1059989). Variants that disrupt the consensus splice site are a relatively common cause of aberrant splicing (PMID: 17576681, 9536098). Algorithms developed to predict the effect of sequence changes on RNA splicing suggest that this variant is not likely to affect RNA splicing. In summary, the available evidence is currently insufficient to determine the role of this variant in disease. Therefore, it has been classified as a Variant of Uncertain Significance.

Literature cited by the submitters: PubMed 17576681; PubMed 9536098.

NM_001382391.1(CSPP1):c.1827+5T>C

Gene: CSPP1 (centrosome and spindle pole associated protein 1; plus strand). Cytogenetic location: 8q13.2.
Variant type: single nucleotide variant.
Coding change: c.1827+5T>C on transcript NM_001382391.1 (MANE Select); 5 bases into the intron after coding-DNA position 1827, T replaced by C.
Molecular consequence: intron variant.
Genome position (GRCh38, 1-based): chr8:67,132,085, T>C. VCF-style: chr8-67132085-T-C. GRCh37 (hg19) VCF-style: chr8-68044320-T-C.
Other names: c.1785+5T>C (NM_001363132.2); c.1746+5T>C (NM_001363131.2); c.1704+5T>C (NM_001363133.2); c.1893+5T>C (NM_001364869.1); c.1812+5T>C (NM_024790.7, NM_001438331.1, NM_001438330.1); c.1713+5T>C (NM_001364870.1); c.1281+5T>C (NM_001438332.1); c.930+5T>C (NM_001291339.2).
Identifiers: ClinVar variation 1059989 (VCV001059989.5), dbSNP rs897591892, ClinGen allele CA178221923.